The following is an entry in ClinVar:

ClinVar aggregate classification (germline): Uncertain significance (1 of 4 stars; one submission).

Conditions:
Alstrom syndrome (ALMS). Identifiers: Orphanet 64, MedGen C0268425, MONDO:0008763, OMIM 203800.

Allele frequency attached by ClinVar (database versions not stated): TOPMed below 0.00001.
gnomAD v4.1: 1 of 1,613,982 alleles (0.000062%); no homozygotes.

Submission:

Labcorp Genetics (formerly Invitae), Labcorp
Classification: Uncertain significance for Alstrom syndrome. Last evaluated: 2022-03-28. Review status: criteria provided, single submitter. Criteria: Invitae Variant Classification Sherloc (09022015). Collection method: clinical testing. Allele origin: germline.
Comment: In summary, the available evidence is currently insufficient to determine the role of this variant in disease. Therefore, it has been classified as a Variant of Uncertain Significance. Experimental studies and prediction algorithms are not available or were not evaluated, and the functional significance of this variant is currently unknown. This variant has not been reported in the literature in individuals affected with ALMS1-related conditions. This variant is not present in population databases (gnomAD no frequency). This sequence change replaces serine, which is neutral and polar, with arginine, which is basic and polar, at codon 3811 of the ALMS1 protein (p.Ser3811Arg).

NM_001378454.1(ALMS1):c.11430C>A (p.Ser3810Arg)

Gene: ALMS1 (ALMS1 centrosome and basal body associated protein; plus strand). Cytogenetic location: 2p13.1.
Variant type: single nucleotide variant.
Coding change: c.11430C>A on transcript NM_001378454.1 (MANE Select); coding-DNA position 11430, C replaced by A.
Protein change: p.Ser3810Arg; replaces serine 3810 with arginine.
Molecular consequence: missense variant.
Genome position (GRCh38, 1-based): chr2:73,573,307, C>A. VCF-style: chr2-73573307-C-A. GRCh37 (hg19) VCF-style: chr2-73800434-C-A.
Other names: c.11433C>A, p.Ser3811Arg (NM_015120.4); short protein forms S3811R, S3810R.
Identifiers: ClinVar variation 2171987 (VCV002171987.4), dbSNP rs1250455148, ClinGen allele CA347289834.